The following is an entry in ClinVar:

ClinVar aggregate classification (germline): Benign (1 of 4 stars; one submission).

Conditions:
Familial cancer of breast. Also called: BREAST CANCER, FAMILIAL; Hereditary breast cancer; hereditary breast carcinoma. Identifiers: Orphanet 227535, MedGen C0346153, MONDO:0016419, OMIM 114480. Disease mechanism: loss of function.

Submission:

Myriad Genetics, Inc.
Classification: Benign for Familial cancer of breast. Last evaluated: 2024-04-17. Review status: criteria provided, single submitter. Criteria: Myriad Autosomal Dominant, Autosomal Recessive and X-Linked Classification Criteria (2023). Collection method: clinical testing. Allele origin: unknown.
Comment: This variant is considered benign. This variant is a silent/synonymous amino acid change and it is not expected to impact splicing.

NM_000051.4(ATM):c.69A>T (p.Arg23=)

Gene: ATM (ATM serine/threonine kinase; plus strand). Cytogenetic location: 11q22.3.
Variant type: single nucleotide variant.
Coding change: c.69A>T on transcript NM_000051.4 (MANE Select); coding-DNA position 69, A replaced by T.
Protein change: p.Arg23=; no amino-acid change (arginine 23 retained).
Molecular consequence: synonymous variant.
Genome position (GRCh38, 1-based): chr11:108,227,693, A>T. VCF-style: chr11-108227693-A-T. GRCh37 (hg19) VCF-style: chr11-108098420-A-T.
Other names: c.69A>T, p.Arg23= (NM_001351834.2, NM_001351835.2, NM_001351836.2).
Identifiers: ClinVar variation 3254223 (VCV003254223.1), dbSNP rs876659304.
Genomic context (GRCh38, chr11:108,227,693, plus strand): 5'-AGTACTTAATGATCTGCTTATCTGCTGCCGTCAACTAGAACATGATAGAGCTACAGAACG[A>T]AAGGTAGTAAATTACTTAAATTCAATTTTTCCTTGAAATAAGTGTGATTAGTAACCCATT-3'
Protein context (NP_000042.3, residues 13-33): RQLEHDRATE[Arg23=]KKEVEKFKRL